The following is an entry in ClinVar:

ClinVar aggregate classification (germline): Uncertain significance (1 of 4 stars; one submission).

gnomAD v4.1: 86 of 1,611,082 alleles (0.0053%); highest among the groups gnomAD compares: Non-Finnish European, 0.007%; no homozygotes.

Submission:

Women's Health and Genetics/Laboratory Corporation of America, LabCorp
Classification: Uncertain significance. Last evaluated: 2025-06-05. Review status: criteria provided, single submitter. Criteria: LabCorp Variant Classification Summary - May 2015. Collection method: clinical testing. Allele origin: germline.
Comment: Variant summary: FGG c.881G>C (p.Gly294Ala) results in a non-conservative amino acid change in the encoded protein sequence. Algorithms developed to predict the effect of missense changes on protein structure and function all suggest that this variant is likely to be disruptive. The variant allele was found at a frequency of 2e-05 in 247876 control chromosomes. The available data on variant occurrences in the general population are insufficient to allow any conclusion about variant significance. To our knowledge, no occurrence of c.881G>C in individuals affected with Congenital Dysfibrinogenemia and no experimental evidence demonstrating its impact on protein function have been reported. No submitters have cited clinical-significance assessments for this variant to ClinVar. Based on the evidence outlined above, the variant was classified as uncertain significance.

NM_021870.3(FGG):c.881G>C (p.Gly294Ala)

Gene: FGG (fibrinogen gamma chain; minus strand). Cytogenetic location: 4q32.1.
Variant type: single nucleotide variant.
Coding change: c.881G>C on transcript NM_021870.3 (MANE Select); coding-DNA position 881, G replaced by C.
Protein change: p.Gly294Ala; replaces glycine 294 with alanine.
Molecular consequence: missense variant.
Genome position (GRCh38, 1-based): chr4:154,606,953, C>G on the plus strand (G>C on the coding strand, the complement: FGG is on the minus strand). VCF-style: chr4-154606953-C-G. GRCh37 (hg19) VCF-style: chr4-155528105-C-G.
Other names: c.881G>C, p.Gly294Ala (NM_000509.6); short protein forms G294A.
Identifiers: ClinVar variation 3907370 (VCV003907370.1).